The following is an entry in ClinVar:

NM_001378778.1(MPDZ):c.5232A>G (p.Arg1744=)

Gene: MPDZ (multiple PDZ domain crumbs cell polarity complex component; minus strand). Cytogenetic location: 9p23.
Variant type: single nucleotide variant.
Coding change: c.5232A>G on transcript NM_001378778.1 (MANE Select); coding-DNA position 5232, A replaced by G.
Protein change: p.Arg1744=; no amino-acid change (arginine 1744 retained).
Molecular consequence: synonymous variant.
Genome position (GRCh38, 1-based): chr9:13,119,649, T>C on the plus strand (A>G on the coding strand, the complement: MPDZ is on the minus strand). VCF-style: chr9-13119649-T-C. GRCh37 (hg19) VCF-style: chr9-13119648-T-C.
Other names: c.5133A>G, p.Arg1711= (NM_001261406.2, NM_001261407.2, NM_001375416.1 and 3 more transcripts); c.5232A>G, p.Arg1744= (NM_001330637.2, NM_003829.5); c.5331A>G, p.Arg1777= (NM_001375413.1); c.5022A>G, p.Arg1674= (NM_001375420.1, NM_001375421.1, NM_001375422.1 and 4 more transcripts); c.4824A>G, p.Arg1608= (NM_001375427.1); c.5232A>G (NM_003829.3).
Identifiers: ClinVar variation 1419452 (VCV001419452.4), dbSNP rs201778811, ClinGen allele CA4986373.

ClinVar aggregate classification (germline): Conflicting classifications of pathogenicity. Review status: criteria provided, conflicting classifications (1 of 4 stars). 2 submissions from 2 submitters: Uncertain significance (1); Likely benign (1). Last evaluated 2024-03-28.

Conditions:
Inborn genetic diseases. Identifiers: MedGen C0950123, MeSH D030342.

Allele frequency attached by ClinVar (database versions not stated): gnomAD 0.00001; gnomAD exomes 0.00002 and 0.00004; ExAC 0.00003; TOPMed 0.00003.
gnomAD v4.1: 27 of 1,613,990 alleles (0.0017%); highest among the groups gnomAD compares: East Asian, 0.056%; no homozygotes.

Submissions (2):

Ambry Genetics
Classification: Likely benign for Inborn genetic diseases. Last evaluated: 2024-03-28. Review status: criteria provided, single submitter. Criteria: Ambry Variant Classification Scheme 2023. Collection method: clinical testing. Allele origin: germline.

Labcorp Genetics (formerly Invitae), Labcorp
Classification: Uncertain significance. Last evaluated: 2022-10-13. Review status: criteria provided, single submitter. Criteria: Invitae Variant Classification Sherloc (09022015). Collection method: clinical testing. Allele origin: germline.
Comment: This sequence change affects codon 1744 of the MPDZ mRNA. It is a 'silent' change, meaning that it does not change the encoded amino acid sequence of the MPDZ protein. It affects a nucleotide within the consensus splice site. This variant is present in population databases (rs201778811, gnomAD 0.06%). This variant has not been reported in the literature in individuals affected with MPDZ-related conditions. ClinVar contains an entry for this variant (Variation ID: 1419452). Algorithms developed to predict the effect of sequence changes on RNA splicing suggest that this variant is not likely to affect RNA splicing. In summary, the available evidence is currently insufficient to determine the role of this variant in disease. Therefore, it has been classified as a Variant of Uncertain Significance.